The following is an entry in ClinVar:

NM_018896.5(CACNA1G):c.6106G>A (p.Val2036Met)

Gene: CACNA1G (calcium voltage-gated channel subunit alpha1 G; plus strand). Cytogenetic location: 17q21.33.
Variant type: single nucleotide variant.
Coding change: c.6106G>A on transcript NM_018896.5 (MANE Select); coding-DNA position 6106, G replaced by A.
Protein change: p.Val2036Met; replaces valine 2036 with methionine.
Molecular consequence: missense variant. On other transcripts: non-coding transcript variant (5).
Genome position (GRCh38, 1-based): chr17:50,623,952, G>A. VCF-style: chr17-50623952-G-A. GRCh37 (hg19) VCF-style: chr17-48701313-G-A.
Other names: c.5773G>A, p.Val1925Met (NM_198386.3); c.5725G>A, p.Val1909Met (NM_198387.3, NM_001256329.2, NM_198376.3); c.5704G>A, p.Val1902Met (NM_198388.3); c.6004G>A, p.Val2002Met (NM_198396.3); c.5917G>A, p.Val1973Met (NM_001256324.2); c.5848G>A, p.Val1950Met (NM_001256325.2); c.5836G>A, p.Val1946Met (NM_001256326.2); c.5806G>A, p.Val1936Met (NM_001256327.2); and 15 more; short protein forms V1886M, V1902M, V1916M, V1920M, V2036M, V1909M, V1932M, V1936M.
Identifiers: ClinVar variation 2802876 (VCV002802876.3), dbSNP rs2545864864, ClinGen allele CA400268976.

ClinVar aggregate classification (germline): Uncertain significance (1 of 4 stars; one submission).

Allele frequency attached by ClinVar (database versions not stated): gnomAD exomes below 0.00001.
gnomAD v4.1: 1 of 1,613,342 alleles (0.000062%); highest among the groups gnomAD compares: Non-Finnish European, 0.000085%; no homozygotes.

Submission:

Labcorp Genetics (formerly Invitae), Labcorp
Classification: Uncertain significance. Last evaluated: 2022-12-28. Review status: criteria provided, single submitter. Criteria: Invitae Variant Classification Sherloc (09022015). Collection method: clinical testing. Allele origin: germline.
Comment: In summary, the available evidence is currently insufficient to determine the role of this variant in disease. Therefore, it has been classified as a Variant of Uncertain Significance. Advanced modeling of protein sequence and biophysical properties (such as structural, functional, and spatial information, amino acid conservation, physicochemical variation, residue mobility, and thermodynamic stability) has been performed at Invitae for this missense variant, however the output from this modeling did not meet the statistical confidence thresholds required to predict the impact of this variant on CACNA1G protein function. This variant has not been reported in the literature in individuals affected with CACNA1G-related conditions. This variant is not present in population databases (gnomAD no frequency). This sequence change replaces valine, which is neutral and non-polar, with methionine, which is neutral and non-polar, at codon 2036 of the CACNA1G protein (p.Val2036Met).